The following is an entry in ClinVar:

ClinVar aggregate classification (germline): Uncertain significance. Review status: criteria provided, multiple submitters, no conflicts (2 of 4 stars). 2 submissions from 2 submitters: Uncertain significance (2). Last evaluated 2022-09-30.

Conditions:
Cardiovascular phenotype. Identifiers: MedGen CN230736.

Allele frequency attached by ClinVar (database versions not stated): gnomAD exomes below 0.00001.
gnomAD v4.1: 1 of 1,614,118 alleles (0.000062%); highest among the groups gnomAD compares: South Asian, 0.0011%; no homozygotes.

Submissions (2):

GeneDx
Classification: Uncertain significance. Last evaluated: 2022-09-30. Review status: criteria provided, single submitter. Criteria: GeneDx Variant Classification Process June 2021. Collection method: clinical testing. Allele origin: germline. Affected: yes.
Comment: Not observed at significant frequency in large population cohorts (gnomAD); In silico analysis supports that this missense variant does not alter protein structure/function; Has not been previously published as pathogenic or benign to our knowledge

Ambry Genetics
Classification: Uncertain significance for Cardiovascular phenotype. Last evaluated: 2016-02-03. Review status: criteria provided, single submitter. Criteria: Ambry Variant Classification Scheme 2023. Collection method: clinical testing. Allele origin: germline.
Comment: The p.T2719A variant (also known as c.8155A>G), located in coding exon 38 of the ANK2 gene, results from an A to G substitution at nucleotide position 8155. The threonine at codon 2719 is replaced by alanine, an amino acid with similar properties. This variant was not reported in population based cohorts in the following databases: Database of Single Nucleotide Polymorphisms (dbSNP), NHLBI Exome Sequencing Project (ESP), and 1000 Genomes Project. In the ESP, this variant was not observed in 6503 samples (13006 alleles) with coverage at this position. This amino acid position is not well conserved in available vertebrate species, and alanine is the reference amino acid in other vertebrate species. In addition, this alteration is predicted to be tolerated by in silico analysis. Since supporting evidence is limited at this time, the clinical significance of this alteration remains unclear.

NM_001148.6(ANK2):c.8155A>G (p.Thr2719Ala)

Gene: ANK2 (ankyrin 2; plus strand). Cytogenetic location: 4q26.
Variant type: single nucleotide variant.
Coding change: c.8155A>G on transcript NM_001148.6 (MANE Select); coding-DNA position 8155, A replaced by G.
Protein change: p.Thr2719Ala; replaces threonine 2719 with alanine.
Molecular consequence: missense variant. On other transcripts: intron variant (68).
Genome position (GRCh38, 1-based): chr4:113,356,773, A>G. VCF-style: chr4-113356773-A-G. GRCh37 (hg19) VCF-style: chr4-114277929-A-G.
Other names: c.7921A>G, p.Thr2641Ala (NM_001386142.1); c.4555A>G, p.Thr1519Ala (NM_001386166.1); c.8296A>G, p.Thr2766Ala (NM_001386174.1); c.8272A>G, p.Thr2758Ala (NM_001386175.1); c.4412-4050A>G (NM_001386186.2, NM_001386148.2); c.4214-4050A>G (NM_001354269.3); c.4292-4050A>G (NM_001386187.2); c.4253-4050A>G (NM_001386147.1); and 35 more; short protein forms T2719A, T1519A, T2641A, T2758A, T2766A.
Identifiers: ClinVar variation 519223 (VCV000519223.6), dbSNP rs1554563090, ClinGen allele CA357933193.